The following is an entry in ClinVar:

NM_000218.3(KCNQ1):c.200del (p.Pro67fs)

Gene: KCNQ1 (potassium voltage-gated channel subfamily Q member 1; plus strand). Cytogenetic location: 11p15.5.
Variant type: Deletion.
Coding change: c.200del on transcript NM_000218.3 (MANE Select); coding-DNA position 200, one base deleted (C; older notation c.200delC).
Protein change: p.Pro67fs; shifts the reading frame from proline 67.
Molecular consequence: frameshift variant.
Genome position (GRCh38, 1-based): chr11:2,445,298, C deleted; the last of 4 consecutive C bases (chr11:2,445,295-2,445,298); deleting any one gives the same sequence. VCF-style (leftmost placement, unchanged base first): chr11-2445294-TC-T. GRCh37 (hg19) VCF-style: chr11-2466524-TC-T.
Other names: c.200delC (NM_000218.2); short protein forms P67fs.
Identifiers: ClinVar variation 405258 (VCV000405258.8), dbSNP rs1060500623, ClinGen allele CA16613554.

ClinVar aggregate classification (germline): Pathogenic. Review status: criteria provided, multiple submitters, no conflicts (2 of 4 stars). 2 submissions from 2 submitters: Pathogenic (2). Last evaluated 2024-03-03.

Conditions:
Long QT syndrome 1 (LQT1). Identifiers: Orphanet 101016, Orphanet 768, MedGen C4551647, MONDO:0100316, OMIM 192500, MONDO:0008646.
Long QT syndrome (LQTS). Identifiers: MedGen C0023976, MeSH D008133, MONDO:0002442. Disease mechanism: loss of function. Inheritance: Various modes of inheritance.

Submissions (2):

Labcorp Genetics (formerly Invitae), Labcorp
Classification: Pathogenic for Long QT syndrome. Last evaluated: 2024-03-03. Review status: criteria provided, single submitter. Criteria: Invitae Variant Classification Sherloc (09022015). Collection method: clinical testing. Allele origin: germline.
Comment: This sequence change creates a premature translational stop signal (p.Pro67Argfs*19) in the KCNQ1 gene. It is expected to result in an absent or disrupted protein product. Loss-of-function variants in KCNQ1 are known to be pathogenic (PMID: 9323054, 19862833). This variant is not present in population databases (gnomAD no frequency). This premature translational stop signal has been observed in individual(s) with long QT syndrome (PMID: 34319147). ClinVar contains an entry for this variant (Variation ID: 405258). For these reasons, this variant has been classified as Pathogenic.

Hadassah Hebrew University Medical Center
Classification: Pathogenic for Long QT syndrome 1. Review status: criteria provided, single submitter. Criteria: ACMG Guidelines, 2015. Collection method: research. Allele origin: germline. Affected: no. Observed: 1 variant allele.

Literature cited by the submitters: PubMed 9323054 (cited by Labcorp Genetics (formerly Invitae), Labcorp); PubMed 19862833 (cited by Labcorp Genetics (formerly Invitae), Labcorp); PubMed 34319147 (cited by Labcorp Genetics (formerly Invitae), Labcorp).